The following is an entry in ClinVar:

NM_017433.5(MYO3A):c.1802T>G (p.Leu601Arg)

Gene: MYO3A (myosin IIIA; plus strand). Cytogenetic location: 10p12.1.
Variant type: single nucleotide variant.
Coding change: c.1802T>G on transcript NM_017433.5 (MANE Select); coding-DNA position 1802, T replaced by G.
Protein change: p.Leu601Arg; replaces leucine 601 with arginine.
Molecular consequence: missense variant.
Genome position (GRCh38, 1-based): chr10:26,120,701, T>G. VCF-style: chr10-26120701-T-G. GRCh37 (hg19) VCF-style: chr10-26409630-T-G.
Other names: short protein forms L601R.
Identifiers: ClinVar variation 4984640 (VCV004984640.1).

ClinVar aggregate classification (germline): Uncertain significance (1 of 4 stars; one submission).

Conditions:
MYO3A-related disorder. Also called: MYO3A-related condition.

gnomAD v4.1: 72 of 1,614,110 alleles (0.0045%); highest among the groups gnomAD compares: South Asian, 0.076%; 3 homozygotes.

Submission:

PreventionGenetics, part of Exact Sciences
Classification: Uncertain significance for MYO3A-related condition. Last evaluated: 2026-09-01. Review status: criteria provided, single submitter. Criteria: ACMG Guidelines, 2015. Collection method: clinical testing. Allele origin: germline.
Comment: The MYO3A c.1802T>G variant is predicted to result in the amino acid substitution p.Leu601Arg. This variant was reported in an individual with Primary angle closure glaucoma (Narta et al. 2023. PubMed ID: 36833422). This variant is reported in 0.085% of alleles in individuals of South Asian descent in gnomAD. Although we suspect that this variant may be benign, at this time, the clinical significance of this variant is uncertain due to the absence of conclusive functional and genetic evidence.